The following is an entry in ClinVar:

NM_000342.4(SLC4A1):c.15+13T>C

Gene: SLC4A1 (solute carrier family 4 member 1 (Diego blood group); minus strand). Cytogenetic location: 17q21.31.
Variant type: single nucleotide variant.
Coding change: c.15+13T>C on transcript NM_000342.4 (MANE Select); 13 bases into the intron after coding-DNA position 15, T replaced by C.
Molecular consequence: intron variant.
Genome position (GRCh38, 1-based): chr17:44,262,839, A>G on the plus strand (T>C on the coding strand, the complement: SLC4A1 is on the minus strand). VCF-style: chr17-44262839-A-G. GRCh37 (hg19) VCF-style: chr17-42340207-A-G.
Identifiers: ClinVar variation 2682443 (VCV002682443.1), dbSNP rs754718200, ClinGen allele CA8600771.

ClinVar aggregate classification (germline): Likely benign (1 of 4 stars; one submission).

Allele frequency attached by ClinVar (database versions not stated): TOPMed 0.00001; gnomAD 0.00002; gnomAD exomes 0.00002; ExAC 0.00003.
gnomAD v4.1: 38 of 1,613,688 alleles (0.0024%); highest among the groups gnomAD compares: East Asian, 0.0067%; no homozygotes.

Submission:

Women's Health and Genetics/Laboratory Corporation of America, LabCorp
Classification: Likely benign. Last evaluated: 2023-11-10. Review status: criteria provided, single submitter. Criteria: LabCorp Variant Classification Summary - May 2015. Collection method: clinical testing. Allele origin: germline.
Comment: Variant summary: SLC4A1 c.15+13T>C alters a non-conserved nucleotide located at a position not widely known to affect splicing. Consensus agreement among computation tools predict no significant impact on normal splicing. However, these predictions have yet to be confirmed by functional studies. The variant allele was found at a frequency of 2e-05 in 251472 control chromosomes. The available data on variant occurrences in the general population are insufficient to allow any conclusion about variant significance. To our knowledge, no occurrence of c.15+13T>C in individuals affected with SLC4A1-Related Disorders and no experimental evidence demonstrating its impact on protein function have been reported. No submitters have cited clinical-significance assessments for this variant to ClinVar after 2014. Based on the evidence outlined above, the variant was classified as likely benign.